The following is an entry in ClinVar:

NM_001365792.1(DAB1):c.793G>A (p.Ala265Thr)

Gene: DAB1 (DAB adaptor protein 1; minus strand). Cytogenetic location: 1p32.2.
Variant type: single nucleotide variant.
Coding change: c.793G>A on transcript NM_001365792.1 (MANE Select); coding-DNA position 793, G replaced by A.
Protein change: p.Ala265Thr; replaces alanine 265 with threonine.
Molecular consequence: missense variant.
Genome position (GRCh38, 1-based): chr1:57,023,633, C>T on the plus strand (G>A on the coding strand, the complement: DAB1 is on the minus strand). VCF-style: chr1-57023633-C-T. GRCh37 (hg19) VCF-style: chr1-57489306-C-T.
Other names: c.793G>A, p.Ala265Thr (NM_001353983.2, NM_001353985.2, NM_001365793.1 and 2 more transcripts); c.787G>A, p.Ala263Thr (NM_001353986.2, NM_001379461.1); short protein forms A263T, A265T.
Identifiers: ClinVar variation 726037 (VCV000726037.6), dbSNP rs532864586, ClinGen allele CA876381.

ClinVar aggregate classification (germline): Likely benign. Review status: criteria provided, single submitter (1 of 4 stars). 2 submissions from 2 submitters: Likely benign (1). 1 of the submissions does not count toward it. Last evaluated 2019-12-31.

Conditions:
DAB1-related disorder. Also called: DAB1-related condition.

Allele frequency attached by ClinVar (database versions not stated): gnomAD 0.00002 and 0.00019; TOPMed 0.00005; gnomAD exomes 0.00036 and 0.00085; ExAC 0.00120; 1000 Genomes Project 0.00200; 1000 Genomes Project 30x 0.00234.
gnomAD v4.1: 556 of 1,606,874 alleles (0.035%); highest among the groups gnomAD compares: South Asian, 0.58%; 9 homozygotes.

Submissions (2):

Labcorp Genetics (formerly Invitae), Labcorp
Classification: Likely benign. Last evaluated: 2019-12-31. Review status: criteria provided, single submitter. Criteria: Invitae Variant Classification Sherloc (09022015). Collection method: clinical testing. Allele origin: germline.

PreventionGenetics, part of Exact Sciences
Classification: Benign for DAB1-related condition. Last evaluated: 2020-03-17. Review status: no assertion criteria provided. Collection method: clinical testing. Allele origin: germline. Not counted in ClinVar's aggregate classification.
Comment: This variant is classified as benign based on ACMG/AMP sequence variant interpretation guidelines (Richards et al. 2015 PMID: 25741868, with internal and published modifications).